The following is an entry in ClinVar:

NM_173354.5(SIK1):c.906C>T (p.Gly302=)

Gene: SIK1 (salt inducible kinase 1; minus strand). Cytogenetic location: 21q22.3.
Variant type: single nucleotide variant.
Coding change: c.906C>T on transcript NM_173354.5 (MANE Select); coding-DNA position 906, C replaced by T.
Protein change: p.Gly302=; no amino-acid change (glycine 302 retained).
Molecular consequence: synonymous variant.
Genome position (GRCh38, 1-based): chr21:43,420,300, G>A on the plus strand (C>T on the coding strand, the complement: SIK1 is on the minus strand). VCF-style: chr21-43420300-G-A. GRCh37 (hg19) VCF-style: chr21-44840180-G-A.
Identifiers: ClinVar variation 476109 (VCV000476109.21), dbSNP rs113379599, ClinGen allele CA321326756.

ClinVar aggregate classification (germline): Benign/Likely benign. Review status: criteria provided, multiple submitters, no conflicts (2 of 4 stars). 5 submissions from 5 submitters: Benign (4); Likely benign (1). Last evaluated 2026-08-01.

Conditions:
Inborn genetic diseases. Identifiers: MedGen C0950123, MeSH D030342.
Developmental and epileptic encephalopathy, 30 (DEE30). Also called: Epileptic encephalopathy, early infantile, 30. Identifiers: MedGen C4225360, MONDO:0014595, OMIM 616341.

Allele frequency attached by ClinVar (database versions not stated): gnomAD exomes 0.00164; ExAC 0.00224; gnomAD 0.00615; ESP Exome Variant Server 0.00730; 1000 Genomes Project 0.00859.

Submissions (6):

CeGaT Center for Human Genetics Tuebingen
Classification: Likely benign. Last evaluated: 2026-08-01. Review status: criteria provided, single submitter. Criteria: CeGaT Center For Human Genetics Tuebingen Variant Classification Criteria Version 2. Collection method: clinical testing. Allele origin: germline. Affected: yes. Observed: 1 variant allele.
Comment: SIK1: BP4, BP7

Labcorp Genetics (formerly Invitae), Labcorp
Classification: Benign for Developmental and epileptic encephalopathy, 30. Last evaluated: 2026-01-28. Review status: criteria provided, single submitter. Criteria: Invitae Variant Classification Sherloc (09022015). Collection method: clinical testing. Allele origin: germline.

Athena Diagnostics
Classification: Benign. Last evaluated: 2023-11-02. Review status: criteria provided, single submitter. Criteria: Athena Diagnostics Criteria. Collection method: clinical testing. Allele origin: unknown.

Ambry Genetics
Classification: Benign for Inborn genetic diseases. Last evaluated: 2016-06-21. Review status: criteria provided, single submitter. Criteria: Ambry Variant Classification Scheme 2023. Collection method: clinical testing. Allele origin: germline.

Breakthrough Genomics
Classification: Benign. Review status: criteria provided, single submitter. Criteria: ACMG Guidelines, 2015. Collection method: not provided. Allele origin: germline. Inheritance: Autosomal dominant inheritance. Affected: yes.

Dr. Peter K. Rogan Lab, Western University
No classification provided (evidence only). Condition: Uterine corpus endometrial carcinoma. Review status: no classification provided. Collection method: in vitro. Allele origin: not applicable. Functional consequence: retained intron. Not counted in ClinVar's aggregate classification.